The following is an entry in ClinVar:

NM_000051.4(ATM):c.6706G>T (p.Glu2236Ter)

Genes: ATM (ATM serine/threonine kinase; plus strand), C11orf65 (chromosome 11 open reading frame 65; minus strand). Cytogenetic location: 11q22.3.
Variant type: single nucleotide variant.
Coding change: c.6706G>T on transcript NM_000051.4 (MANE Select); coding-DNA position 6706, G replaced by T.
Protein change: p.Glu2236Ter; replaces glutamic acid 2236 with a stop codon.
Molecular consequence: nonsense. On other transcripts: intron variant (2).
Genome position (GRCh38, 1-based): chr11:108,325,443, G>T. VCF-style: chr11-108325443-G-T. GRCh37 (hg19) VCF-style: chr11-108196170-G-T.
Other names: c.6706G>T, p.Glu2236Ter (NM_001351834.2); c.641-16372C>A (NM_001330368.2); c.*38+9777C>A (NM_001351110.2); short protein forms E2236*.
Identifiers: ClinVar variation 826566 (VCV000826566.6), dbSNP rs1591129305, ClinGen allele CA382554969.
Genomic context (GRCh38, chr11:108,325,443, plus strand): 5'-GATTTTAGTTTTCAGGAGCCTATCATGGCTCTACGCACAGTCATTTTGGAGATCCTGATG[G>T]AAAAGGAAATGGACAACTCACAAAGAGAATGTATTAAGGACATTCTCACCAAACACCTTG-3'

ClinVar aggregate classification (germline): Pathogenic (1 of 4 stars; one submission).

Conditions:
Hereditary cancer-predisposing syndrome. Also called: Tumor predisposition; Neoplastic Syndromes, Hereditary; Hereditary Cancer Syndrome; Hereditary neoplastic syndrome. Identifiers: Orphanet 140162, MedGen C0027672, MeSH D009386, MONDO:0015356.

Submission:

Ambry Genetics
Classification: Pathogenic for Hereditary cancer-predisposing syndrome. Last evaluated: 2019-07-15. Review status: criteria provided, single submitter. Criteria: Ambry Variant Classification Scheme 2023. Collection method: clinical testing. Allele origin: germline.
Comment: The p.E2236* pathogenic mutation (also known as c.6706G>T), located in coding exon 45 of the ATM gene, results from a G to T substitution at nucleotide position 6706. This changes the amino acid from a glutamic acid to a stop codon within coding exon 45. This alteration is expected to result in loss of function by premature protein truncation or nonsense-mediated mRNA decay. As such, this alteration is interpreted as a disease-causing mutation.